The following is an entry in ClinVar:

ClinVar aggregate classification (germline): not provided (0 of 4 stars; one submission).

Conditions:
Small for gestational age. Also called: Low birth weight. Identifiers: MedGen C0235991, HP:0001518.

Submission:

Institute of Molecular and Cell Biology, University of Tartu
No classification provided. Condition: Small for gestational age. Review status: no classification provided. Collection method: case-control. Allele origin: unknown. Affected: yes. Study: Kasak2014.
Comment: The study aimed to determine the contribution of copy number variants in the genetic etiology of normal and complicated pregnancies. The samples represented (i) maternal blood DNA drawn from healthy pregnant women during 1st or 2nd trimester and (ii) maternal and paternal blood DNA drawn at term pregnancy cases representing normal and complicated gestations (severe preeclampsia, PE; gestational diabetes, GD; small-for-gestational age newborn, SGA; large-for-gestational age newborn, LGA). We performed CNV calling based on genome-wide genotyping dataset (Illumina HumanOmniExpress-24-v1 BeadChip) by applying three algorithms, QuantiSNP, GADA (Genome Alteration Detection Algorithm) and CNstream in parallel. The acquired CNV calls were merged with HD-CNV (Hotspot Detector for Copy Number Variants) program and only the CNVs predicted by at least two programs, were considered in subsequent analysis.

Literature cited by the submitters: PubMed 25666259.

NM_002125.3(HLA-DRB5):c.-21004_-833del

Variant type: Deletion.
Coding change: c.-21004_-833del on transcript NM_002125.3; 21004 bases upstream of the start codon through 833 bases upstream of the start codon, this stretch deleted.
Identifiers: ClinVar variation 157008 (VCV000157008.2).